The following is an entry in ClinVar:

NM_004408.4(DNM1):c.470G>A (p.Arg157Gln)

Genes: DNM1 (dynamin 1; plus strand), LOC113839516 (Sharpr-MPRA regulatory region 8497; plus strand). Cytogenetic location: 9q34.11.
Variant type: single nucleotide variant.
Coding change: c.470G>A on transcript NM_004408.4 (MANE Select); coding-DNA position 470, G replaced by A.
Protein change: p.Arg157Gln; replaces arginine 157 with glutamine.
Molecular consequence: missense variant.
Genome position (GRCh38, 1-based): chr9:128,219,133, G>A. VCF-style: chr9-128219133-G-A. GRCh37 (hg19) VCF-style: chr9-130981412-G-A.
Other names: c.470G>A, p.Arg157Gln (NM_001005336.3, NM_001288737.2, NM_001288738.2 and 2 more transcripts); short protein forms R157Q.
Identifiers: ClinVar variation 1485322 (VCV001485322.6), dbSNP rs2131152872, ClinGen allele CA375011051.

ClinVar aggregate classification (germline): Uncertain significance (1 of 4 stars; one submission).

Conditions:
Developmental and epileptic encephalopathy, 31A. Also called: Developmental and epileptic encephalopathy, 31; Epileptic encephalopathy, early infantile, 31. Identifiers: Orphanet 2382, MedGen C4225357, MONDO:0014598, OMIM 616346.

Submission:

Labcorp Genetics (formerly Invitae), Labcorp
Classification: Uncertain significance for Developmental and epileptic encephalopathy, 31A. Last evaluated: 2022-12-06. Review status: criteria provided, single submitter. Criteria: Invitae Variant Classification Sherloc (09022015). Collection method: clinical testing. Allele origin: germline.
Comment: In summary, the available evidence is currently insufficient to determine the role of this variant in disease. Therefore, it has been classified as a Variant of Uncertain Significance. Advanced modeling of protein sequence and biophysical properties (such as structural, functional, and spatial information, amino acid conservation, physicochemical variation, residue mobility, and thermodynamic stability) performed at Invitae indicates that this missense variant is not expected to disrupt DNM1 protein function. ClinVar contains an entry for this variant (Variation ID: 1485322). This variant has not been reported in the literature in individuals affected with DNM1-related conditions. This variant is not present in population databases (gnomAD no frequency). This sequence change replaces arginine, which is basic and polar, with glutamine, which is neutral and polar, at codon 157 of the DNM1 protein (p.Arg157Gln).